The following is an entry in ClinVar:

ClinVar aggregate classification (germline): Likely pathogenic (1 of 4 stars; one submission).

Conditions:
Maple syrup urine disease type 1A (MSUD1A). Also called: MSUD type 1A. Identifiers: MedGen C1855369, MONDO:0023691, OMIM 248600.

gnomAD v4.1: 1 of 1,614,182 alleles (0.000062%); highest among the groups gnomAD compares: Non-Finnish European, 0.000085%; no homozygotes.

Submission:

Genetics laboratory, Institute of Kidney Diseases & Research Centre Dr. H.L. Trivedi Institute Of Transplantation Sciences
Classification: Likely pathogenic for Maple syrup urine disease type 1A. Last evaluated: 2026-04-28. Review status: criteria provided, single submitter. Criteria: ACMG Guidelines, 2015. Collection method: clinical testing. Allele origin: germline. Inheritance: Autosomal recessive inheritance. Affected: yes. Observed: 1 variant allele, 1 homozygote.
Comment: The BCKDHA c.731G>A (p.Gly244Glu) variant is classified as Likely Pathogenic according to ACMG/AMP criteria. The variant is absent or extremely rare in population databases (PM2) and is located in a region/domain of the protein in which pathogenic variation is established (PM1). Multiple in-silico prediction tools consistently support a deleterious effect on protein function (PP3). The patient's clinical phenotype is consistent with BCKDHA-related maple syrup urine disease (PP4). Taken together, the available evidence supports classification of this variant as Likely Pathogenic.

NM_000709.4(BCKDHA):c.731G>A (p.Gly244Glu)

Gene: BCKDHA (branched chain keto acid dehydrogenase E1 subunit alpha; plus strand). Cytogenetic location: 19q13.2.
Variant type: single nucleotide variant.
Coding change: c.731G>A on transcript NM_000709.4 (MANE Select); coding-DNA position 731, G replaced by A.
Protein change: p.Gly244Glu; replaces glycine 244 with glutamic acid.
Molecular consequence: missense variant.
Genome position (GRCh38, 1-based): chr19:41,422,248, G>A. VCF-style: chr19-41422248-G-A. GRCh37 (hg19) VCF-style: chr19-41928153-G-A.
Other names: c.731G>A, p.Gly244Glu (NM_001164783.2); short protein forms G244E.
Identifiers: ClinVar variation 4884880 (VCV004884880.1).